The following is an entry in ClinVar:

ClinVar aggregate classification (germline): Pathogenic (1 of 4 stars; one submission).

Conditions:
Fabry disease. Also called: ALPHA-GALACTOSIDASE A DEFICIENCY; ANDERSON-FABRY DISEASE; CERAMIDE TRIHEXOSIDASE DEFICIENCY; GLA DEFICIENCY; HEREDITARY DYSTOPIC LIPIDOSIS; Angiokeratoma corporis diffusum. Identifiers: Orphanet 324, MedGen C0002986, MONDO:0010526, OMIM 301500, HP:0001071. Disease mechanism: Fabry disease is due to inactivating mutations in the X-linked GLA gene resulting in deficiency of the enzyme Alpha Galactosidase-A., loss of function.

Submission:

Genomenon, Inc
Classification: Pathogenic for Fabry disease. Last evaluated: 2026-09-08. Review status: criteria provided, single submitter. Criteria: Genomenon Sequence Variant Interpretation Standards - Updated. Collection method: curation. Allele origin: germline. Affected: yes.
Comment: GLA c.195-1G>A is a canonical splice variant affecting the acceptor splice site of intron 1. It is predicted to affect mRNA splicing, leading to a deleterious effect on the GLA protein. This variant has been observed in at least one proband with clinical features consistent with Fabry disease (PMID:27560961;38002959;39609713;34906154). The variant was found to segregate with disease in at least one affected family (PMID:38002959;34906154). Functional or patient cell studies have been reported (PMID:34906154;39609713). It is absent or not present at a significant frequency in gnomAD. In conclusion, we classify GLA c.195-1G>A as a pathogenic variant.

Literature cited by the submitters: PubMed 27560961; PubMed 38002959; PubMed 39609713; PubMed 34906154.

NM_000169.3(GLA):c.195-1G>A

Genes: GLA (galactosidase alpha; minus strand), RPL36A-HNRNPH2 (RPL36A-HNRNPH2 readthrough; plus strand). Cytogenetic location: Xq22.1.
Variant type: single nucleotide variant.
Coding change: c.195-1G>A on transcript NM_000169.3 (MANE Select); the canonical splice acceptor site of the intron before coding-DNA position 195, G replaced by A.
Molecular consequence: splice acceptor variant. On other transcripts: intron variant (2).
Genome position (GRCh38, 1-based): chrX:101,403,986, C>T on the plus strand (G>A on the coding strand, the complement: GLA is on the minus strand). VCF-style: chrX-101403986-C-T. GRCh37 (hg19) VCF-style: chrX-100658974-C-T.
Other names: c.301-7950C>T (NM_001199973.2); c.178-7950C>T (NM_001199974.2); c.318-1G>A (NM_001406747.1, NM_001406749.1); c.195-1G>A (NM_001406748.1).
Identifiers: ClinVar variation 4087205 (VCV004087205.2).